The following is an entry in ClinVar:

ClinVar aggregate classification (germline): Pathogenic (1 of 4 stars; one submission).

Conditions:
Breast-ovarian cancer, familial, susceptibility to, 4. Identifiers: Orphanet 145, MedGen C3280345, MONDO:0013669, OMIM 614291.

Submission:

Labcorp Genetics (formerly Invitae), Labcorp
Classification: Pathogenic for Breast-ovarian cancer, familial, susceptibility to, 4. Last evaluated: 2023-08-10. Review status: criteria provided, single submitter. Criteria: Invitae Variant Classification Sherloc (09022015). Collection method: clinical testing. Allele origin: germline.
Comment: For these reasons, this variant has been classified as Pathogenic. This sequence change creates a premature translational stop signal (p.Leu82Glyfs*22) in the RAD51D gene. It is expected to result in an absent or disrupted protein product. Loss-of-function variants in RAD51D are known to be pathogenic (PMID: 21822267). This variant is not present in population databases (gnomAD no frequency). This variant has not been reported in the literature in individuals affected with RAD51D-related conditions. ClinVar contains an entry for this variant (Variation ID: 652547).

Literature cited by the submitters: PubMed 21822267.

NM_002878.4(RAD51D):c.243_244insGG (p.Leu82fs)

Genes: RAD51D (RAD51 paralog D; minus strand), RAD51L3-RFFL (RAD51L3-RFFL readthrough; minus strand). Cytogenetic location: 17q12.
Variant type: Insertion.
Coding change: c.243_244insGG on transcript NM_002878.4 (MANE Select); coding-DNA positions 243 to 244, GG inserted.
Protein change: p.Leu82fs; shifts the reading frame from leucine 82.
Molecular consequence: frameshift variant. On other transcripts: intron variant (2).
Genome position: GRCh38 VCF-style: chr17-35118520-G-GCC. GRCh37 (hg19) VCF-style: chr17-33445539-G-GCC.
Other names: c.144+590_144+591insGG (NM_133629.3, NM_001142571.2); short protein forms L82fs.
Identifiers: ClinVar variation 652547 (VCV000652547.6), dbSNP rs1597876652, ClinGen allele CA915949990.